The following is an entry in ClinVar:

NM_178862.3(STT3B):c.1263T>G (p.Leu421=)

Gene: STT3B (STT3 oligosaccharyltransferase complex catalytic subunit B; plus strand). Cytogenetic location: 3p23.
Variant type: single nucleotide variant.
Coding change: c.1263T>G on transcript NM_178862.3 (MANE Select); coding-DNA position 1263, T replaced by G.
Protein change: p.Leu421=; no amino-acid change (leucine 421 retained).
Molecular consequence: synonymous variant.
Genome position (GRCh38, 1-based): chr3:31,619,766, T>G. VCF-style: chr3-31619766-T-G. GRCh37 (hg19) VCF-style: chr3-31661258-T-G.
Identifiers: ClinVar variation 2761967 (VCV002761967.3), dbSNP rs2470705582, ClinGen allele CA432925392.

ClinVar aggregate classification (germline): Uncertain significance (1 of 4 stars; one submission).

Conditions:
STT3B-congenital disorder of glycosylation. Also called: STT3B-CDG; CDG Ix; Congenital disorder of glycosylation type 1x. Identifiers: Orphanet 370924, MedGen C2931007, MONDO:0014271, OMIM 615597.

Submission:

Labcorp Genetics (formerly Invitae), Labcorp
Classification: Uncertain significance for STT3B-congenital disorder of glycosylation. Last evaluated: 2023-12-11. Review status: criteria provided, single submitter. Criteria: Invitae Variant Classification Sherloc (09022015). Collection method: clinical testing. Allele origin: germline.
Comment: This sequence change affects codon 421 of the STT3B mRNA. It is a 'silent' change, meaning that it does not change the encoded amino acid sequence of the STT3B protein. This variant is not present in population databases (gnomAD no frequency). This variant has not been reported in the literature in individuals affected with STT3B-related conditions. Algorithms developed to predict the effect of sequence changes on RNA splicing suggest that this variant may create or strengthen a splice site. In summary, the available evidence is currently insufficient to determine the role of this variant in disease. Therefore, it has been classified as a Variant of Uncertain Significance.